The following is an entry in ClinVar:

ClinVar aggregate classification (germline): Uncertain significance (1 of 4 stars; one submission).

Allele frequency attached by ClinVar (database versions not stated): 1000 Genomes Project 30x 0.00016.

Submission:

Labcorp Genetics (formerly Invitae), Labcorp
Classification: Uncertain significance. Last evaluated: 2022-08-23. Review status: criteria provided, single submitter. Criteria: Invitae Variant Classification Sherloc (09022015). Collection method: clinical testing. Allele origin: germline.
Comment: In summary, the available evidence is currently insufficient to determine the role of this variant in disease. Therefore, it has been classified as a Variant of Uncertain Significance. Algorithms developed to predict the effect of missense changes on protein structure and function are either unavailable or do not agree on the potential impact of this missense change (SIFT: "Deleterious"; PolyPhen-2: "Benign"; Align-GVGD: "Class C25"). ClinVar contains an entry for this variant (Variation ID: 1471950). This variant has not been reported in the literature in individuals affected with RBP3-related conditions. This variant is present in population databases (rs143507852, gnomAD 0.003%). This sequence change replaces leucine, which is neutral and non-polar, with valine, which is neutral and non-polar, at codon 1223 of the RBP3 protein (p.Leu1223Val).

NM_002900.3(RBP3):c.3667C>G (p.Leu1223Val)

Gene: RBP3 (retinol binding protein 3; plus strand). Cytogenetic location: 10q11.22.
Variant type: single nucleotide variant.
Coding change: c.3667C>G on transcript NM_002900.3 (MANE Select); coding-DNA position 3667, C replaced by G.
Protein change: p.Leu1223Val; replaces leucine 1223 with valine.
Molecular consequence: missense variant.
Genome position (GRCh38, 1-based): chr10:47,357,380, C>G. VCF-style: chr10-47357380-C-G. GRCh37 (hg19) VCF-style: chr10-48381982-G-C.
Other names: short protein forms L1223V.
Identifiers: ClinVar variation 1471950 (VCV001471950.6), dbSNP rs143507852, ClinGen allele CA5486991.